The following is an entry in ClinVar:

NM_057175.5(NAA15):c.1540-8T>G

Gene: NAA15 (N-alpha-acetyltransferase 15, NatA auxiliary subunit; plus strand). Cytogenetic location: 4q31.1.
Variant type: single nucleotide variant.
Coding change: c.1540-8T>G on transcript NM_057175.5 (MANE Select); 8 bases into the intron before coding-DNA position 1540, T replaced by G.
Molecular consequence: intron variant.
Genome position (GRCh38, 1-based): chr4:139,361,716, T>G. VCF-style: chr4-139361716-T-G. GRCh37 (hg19) VCF-style: chr4-140282870-T-G.
Identifiers: ClinVar variation 1030109 (VCV001030109.1), dbSNP rs1748137462, ClinGen allele CA1498348637.

ClinVar aggregate classification (germline): Uncertain significance (1 of 4 stars; one submission).

Conditions:
Intellectual developmental disorder, autosomal dominant 50, with behavioral abnormalities. Also called: Intellectual disability, autosomal dominant 50; MENTAL RETARDATION, AUTOSOMAL DOMINANT 50. Identifiers: MedGen C4540470, MONDO:0030916, OMIM 617787.

Submission:

Baylor Genetics
Classification: Uncertain significance for Intellectual developmental disorder, autosomal dominant 50, with behavioral abnormalities. Last evaluated: 2019-08-17. Review status: criteria provided, single submitter. Criteria: ACMG Guidelines, 2015. Collection method: clinical testing. Allele origin: unknown. Affected: yes.
Comment: This variant was determined to be of uncertain significance according to ACMG Guidelines, 2015 [PMID:25741868].